The following is an entry in ClinVar:

ClinVar aggregate classification (germline): Uncertain significance (1 of 4 stars; one submission).

Allele frequency attached by ClinVar (database versions not stated): gnomAD exomes below 0.00001; TOPMed below 0.00001; ExAC 0.00001; gnomAD 0.00001.

Submission:

Labcorp Genetics (formerly Invitae), Labcorp
Classification: Uncertain significance. Last evaluated: 2023-09-25. Review status: criteria provided, single submitter. Criteria: Invitae Variant Classification Sherloc (09022015). Collection method: clinical testing. Allele origin: germline.
Comment: In summary, the available evidence is currently insufficient to determine the role of this variant in disease. Therefore, it has been classified as a Variant of Uncertain Significance. This variant is present in population databases (rs771134030, gnomAD 0.004%). An algorithm developed to predict the effect of missense changes on protein structure and function (PolyPhen-2) suggests that this variant is likely to be disruptive. This variant has not been reported in the literature in individuals affected with PCLO-related conditions. This sequence change replaces proline, which is neutral and non-polar, with serine, which is neutral and polar, at codon 436 of the PCLO protein (p.Pro436Ser).

NM_033026.6(PCLO):c.1306C>T (p.Pro436Ser)

Gene: PCLO (piccolo presynaptic cytomatrix protein; minus strand). Cytogenetic location: 7q21.11.
Variant type: single nucleotide variant.
Coding change: c.1306C>T on transcript NM_033026.6 (MANE Select); coding-DNA position 1306, C replaced by T.
Protein change: p.Pro436Ser; replaces proline 436 with serine.
Molecular consequence: missense variant.
Genome position (GRCh38, 1-based): chr7:83,155,335, G>A on the plus strand (C>T on the coding strand, the complement: PCLO is on the minus strand). VCF-style: chr7-83155335-G-A. GRCh37 (hg19) VCF-style: chr7-82784651-G-A.
Other names: c.1306C>T, p.Pro436Ser (NM_014510.3); short protein forms P436S.
Identifiers: ClinVar variation 2763201 (VCV002763201.3), dbSNP rs771134030, ClinGen allele CA4321484.